The following is an entry in ClinVar:

ClinVar aggregate classification (germline): Pathogenic (1 of 4 stars; one submission).

Conditions:
MHC class II deficiency. Also called: BLS, TYPE II; Bare lymphocyte syndrome 2. Identifiers: Orphanet 572, MedGen C5447452, MONDO:0008855.

Submission:

Labcorp Genetics (formerly Invitae), Labcorp
Classification: Pathogenic for MHC class II deficiency. Last evaluated: 2023-09-08. Review status: criteria provided, single submitter. Criteria: Invitae Variant Classification Sherloc (09022015). Collection method: clinical testing. Allele origin: germline.
Comment: This variant has not been reported in the literature in individuals affected with CIITA-related conditions. This sequence change creates a premature translational stop signal (p.Lys914*) in the CIITA gene. It is expected to result in an absent or disrupted protein product. Loss-of-function variants in CIITA are known to be pathogenic (PMID: 8402893, 9099848, 26271388). This variant is not present in population databases (gnomAD no frequency). ClinVar contains an entry for this variant (Variation ID: 1415818). For these reasons, this variant has been classified as Pathogenic.

Literature cited by the submitters: PubMed 8402893; PubMed 9099848; PubMed 26271388.

NM_000246.4(CIITA):c.2740A>T (p.Lys914Ter)

Gene: CIITA (class II major histocompatibility complex transactivator; plus strand). Cytogenetic location: 16p13.13.
Variant type: single nucleotide variant.
Coding change: c.2740A>T on transcript NM_000246.4 (MANE Select); coding-DNA position 2740, A replaced by T.
Protein change: p.Lys914Ter; replaces lysine 914 with a stop codon.
Molecular consequence: nonsense.
Genome position (GRCh38, 1-based): chr16:10,909,111, A>T. VCF-style: chr16-10909111-A-T. GRCh37 (hg19) VCF-style: chr16-11002968-A-T.
Other names: c.2743A>T, p.Lys915Ter (NM_001286402.1, NM_001379332.1); c.988A>T, p.Lys330Ter (NM_001286403.2); c.2596A>T, p.Lys866Ter (NM_001379330.1); c.2593A>T, p.Lys865Ter (NM_001379331.1); c.2740A>T, p.Lys914Ter (NM_001379333.1); c.2671A>T, p.Lys891Ter (NM_001379334.1); short protein forms K866*, K914*, K865*, K891*, K330*, K915*.
Identifiers: ClinVar variation 1415818 (VCV001415818.6), dbSNP rs2144769768, ClinGen allele CA394734918.